The following is an entry in ClinVar:

ClinVar aggregate classification (germline): Uncertain significance (1 of 4 stars; one submission).

Allele frequency attached by ClinVar (database versions not stated): gnomAD exomes below 0.00001; ExAC 0.00001; gnomAD 0.00001; TOPMed 0.00001.
gnomAD v4.1: 22 of 1,612,898 alleles (0.0014%); highest among the groups gnomAD compares: Non-Finnish European, 0.0017%; no homozygotes.

Submissions (2):

Labcorp Genetics (formerly Invitae), Labcorp
Classification: Uncertain significance. Last evaluated: 2021-10-05. Review status: criteria provided, single submitter. Criteria: Invitae Variant Classification Sherloc (09022015). Collection method: clinical testing. Allele origin: germline.
Comment: In summary, the available evidence is currently insufficient to determine the role of this variant in disease. Therefore, it has been classified as a Variant of Uncertain Significance. Algorithms developed to predict the effect of missense changes on protein structure and function (SIFT, PolyPhen-2, Align-GVGD) all suggest that this variant is likely to be disruptive. This variant has not been reported in the literature in individuals affected with SCP2-related conditions. This variant is present in population databases (rs778950055, ExAC 0.002%). This sequence change replaces alanine with proline at codon 363 of the SCP2 protein (p.Ala363Pro). The alanine residue is highly conserved and there is a small physicochemical difference between alanine and proline.

Dr. Peter K. Rogan Lab, Western University
No classification provided (evidence only). Condition: Gastric cancer. Review status: no classification provided. Collection method: in vitro. Allele origin: not applicable. Functional consequence: retained intron. Not counted in ClinVar's aggregate classification.

NM_002979.5(SCP2):c.1087G>C (p.Ala363Pro)

Genes: SCP2 (sterol carrier protein 2; plus strand), LOC129930559 (ATAC-STARR-seq lymphoblastoid active region 1040; plus strand). Cytogenetic location: 1p32.3.
Variant type: single nucleotide variant.
Coding change: c.1087G>C on transcript NM_002979.5 (MANE Select); coding-DNA position 1087, G replaced by C.
Protein change: p.Ala363Pro; replaces alanine 363 with proline.
Molecular consequence: missense variant.
Genome position (GRCh38, 1-based): chr1:53,014,895, G>C. VCF-style: chr1-53014895-G-C. GRCh37 (hg19) VCF-style: chr1-53480567-G-C.
Other names: c.1015G>C, p.Ala339Pro (NM_001193599.2); c.955G>C, p.Ala319Pro (NM_001193600.2); c.844G>C, p.Ala282Pro (NM_001193617.2); short protein forms A339P, A282P, A319P, A363P.
Identifiers: ClinVar variation 1383526 (VCV001383526.7), dbSNP rs778950055, ClinGen allele CA857334.